The following is an entry in ClinVar:

ClinVar aggregate classification (germline): Uncertain significance (1 of 4 stars; one submission).

Conditions:
Familial focal epilepsy with variable foci (FPEVF). Identifiers: Orphanet 98820, MedGen C1858477, MONDO:0020310.

Submission:

Labcorp Genetics (formerly Invitae), Labcorp
Classification: Uncertain significance for Familial focal epilepsy with variable foci. Last evaluated: 2025-04-15. Review status: criteria provided, single submitter. Criteria: Invitae Variant Classification Sherloc (09022015). Collection method: clinical testing. Allele origin: germline.
Comment: This sequence change replaces methionine, which is neutral and non-polar, with lysine, which is basic and polar, at codon 369 of the DEPDC5 protein (p.Met369Lys). This variant is not present in population databases (gnomAD no frequency). This variant has not been reported in the literature in individuals affected with DEPDC5-related conditions. Experimental studies and prediction algorithms are not available or were not evaluated, and the functional significance of this variant is currently unknown. In summary, the available evidence is currently insufficient to determine the role of this variant in disease. Therefore, it has been classified as a Variant of Uncertain Significance.

NM_001242896.3(DEPDC5):c.1106T>A (p.Met369Lys)

Gene: DEPDC5 (DEP domain containing 5, GATOR1 subcomplex subunit; plus strand). Cytogenetic location: 22q12.3.
Variant type: single nucleotide variant.
Coding change: c.1106T>A on transcript NM_001242896.3 (MANE Select); coding-DNA position 1106, T replaced by A.
Protein change: p.Met369Lys; replaces methionine 369 with lysine.
Molecular consequence: missense variant. On other transcripts: non-coding transcript variant (5).
Genome position (GRCh38, 1-based): chr22:31,804,186, T>A. VCF-style: chr22-31804186-T-A. GRCh37 (hg19) VCF-style: chr22-32200172-T-A.
Other names: c.1106T>A, p.Met369Lys (NM_001007188.4, NM_001136029.4, NM_001242897.2 and 7 more transcripts); c.1022T>A, p.Met341Lys (NM_001369901.1, NM_001369902.1); short protein forms M341K, M369K.
Identifiers: ClinVar variation 4717559 (VCV004717559.1).
Genomic context (GRCh38, chr22:31,804,186, plus strand): 5'-CCTCCCCACAATTCTTTTTGTCTTTTCTTTTTTTAGGAATTGGTGTGGATTTGGTGTGCA[T>A]GGGAGAGCAACCGTTACATGCTGTCCCATTGTTCAAGGTAATTAGATTTCGGATTTGTTT-3'
Protein context (NP_001229825.1, residues 359-379): DNGIGVDLVC[Met369Lys]GEQPLHAVPL